The following is an entry in ClinVar:

NM_001122681.2(SH3BP2):c.528C>T (p.His176=)

Gene: SH3BP2 (SH3 domain binding protein 2; plus strand). Cytogenetic location: 4p16.3.
Variant type: single nucleotide variant.
Coding change: c.528C>T on transcript NM_001122681.2 (MANE Select); coding-DNA position 528, C replaced by T.
Protein change: p.His176=; no amino-acid change (histidine 176 retained).
Molecular consequence: synonymous variant.
Genome position (GRCh38, 1-based): chr4:2,827,616, C>T. VCF-style: chr4-2827616-C-T. GRCh37 (hg19) VCF-style: chr4-2829343-C-T.
Other names: c.528C>T, p.His176= (LRG_1334t1, NM_003023.4); c.612C>T, p.His204= (LRG_1334t2, NM_001145855.2); c.699C>T, p.His233= (NM_001145856.2).
Identifiers: ClinVar variation 348579 (VCV000348579.15), dbSNP rs138986397, ClinGen allele CA2819229.

ClinVar aggregate classification (germline): Benign/Likely benign. Review status: criteria provided, multiple submitters, no conflicts (2 of 4 stars). 4 submissions from 4 submitters: Benign (1); Likely benign (2). 1 of the submissions does not count toward it. Last evaluated 2025-08-18.

Conditions:
SH3BP2-related disorder. Also called: SH3BP2-related condition.
Fibrous dysplasia of jaw (CRBM). Also called: Cherubism. Identifiers: Orphanet 184, MedGen C0008029, MONDO:0007315, OMIM 118400.

Allele frequency attached by ClinVar (database versions not stated): gnomAD 0.00003 and 0.00004; TOPMed 0.00004; gnomAD exomes 0.00006 and 0.00015; ESP Exome Variant Server 0.00008; ExAC 0.00021.
gnomAD v4.1: 212 of 1,596,922 alleles (0.013%); highest among the groups gnomAD compares: Non-Finnish European, 0.017%; no homozygotes.

Submissions (4):

Labcorp Genetics (formerly Invitae), Labcorp
Classification: Likely benign for Fibrous dysplasia of jaw. Last evaluated: 2025-08-18. Review status: criteria provided, single submitter. Criteria: Invitae Variant Classification Sherloc (09022015). Collection method: clinical testing. Allele origin: germline.

Blueprint Genetics
Classification: Likely benign. Last evaluated: 2022-05-10. Review status: criteria provided, single submitter. Criteria: ACMG Guidelines, 2015. Collection method: clinical testing. Allele origin: germline.

Illumina Laboratory Services, Illumina
Classification: Benign for Fibrous dysplasia of jaw. Last evaluated: 2018-01-12. Review status: criteria provided, single submitter. Criteria: ICSL Variant Classification Criteria 13 December 2019. Collection method: clinical testing. Allele origin: germline.
Comment: This variant was observed in the ICSL laboratory as part of a predisposition screen in an ostensibly healthy population. It had not been previously curated by ICSL or reported in the Human Gene Mutation Database (HGMD: prior to June 1st, 2018), and was therefore a candidate for classification through an automated scoring system. Utilizing variant allele frequency, disease prevalence and penetrance estimates, and inheritance mode, an automated score was calculated to assess if this variant is too frequent to cause the disease. Based on the score and internal cut-off values, a variant classified as benign is not then subjected to further curation. The score for this variant resulted in a classification of benign for this disease.

PreventionGenetics, part of Exact Sciences
Classification: Likely benign for SH3BP2-related condition. Last evaluated: 2019-04-16. Review status: no assertion criteria provided. Collection method: clinical testing. Allele origin: germline. Not counted in ClinVar's aggregate classification.
Comment: This variant is classified as likely benign based on ACMG/AMP sequence variant interpretation guidelines (Richards et al. 2015 PMID: 25741868, with internal and published modifications).